The following is an entry in ClinVar:

NM_032119.4(ADGRV1):c.15185A>T (p.Glu5062Val)

Gene: ADGRV1 (adhesion G protein-coupled receptor V1; plus strand). Cytogenetic location: 5q14.3.
Variant type: single nucleotide variant.
Coding change: c.15185A>T on transcript NM_032119.4 (MANE Select); coding-DNA position 15185, A replaced by T.
Protein change: p.Glu5062Val; replaces glutamic acid 5062 with valine.
Molecular consequence: missense variant. On other transcripts: non-coding transcript variant (1).
Genome position (GRCh38, 1-based): chr5:90,810,445, A>T. VCF-style: chr5-90810445-A-T. GRCh37 (hg19) VCF-style: chr5-90106262-A-T.
Other names: short protein forms E5062V.
Identifiers: ClinVar variation 1878527 (VCV001878527.1), dbSNP rs2532184383, ClinGen allele CA360408184.

ClinVar aggregate classification (germline): Uncertain significance (1 of 4 stars; one submission).

Conditions:
Febrile seizures, familial, 4 (FEB4). Also called: CONVULSIONS, FAMILIAL FEBRILE, 4. Identifiers: MedGen C1858493, MONDO:0011443, OMIM 604352.

Submission:

Neuberg Centre For Genomic Medicine, NCGM
Classification: Uncertain significance for Febrile seizures, familial, 4. Review status: criteria provided, single submitter. Criteria: ACMG Guidelines, 2015. Collection method: clinical testing. Allele origin: germline. Affected: yes.
Comment: The missense variant p.E5062V in ADGRV1 (NM_032119.4) has not been reported previously as a pathogenic variant nor as a benign variant, to our knowledge. The p.E5062V variant is novel (not in any individuals) in gnomAD Exomes and is novel (not in any individuals) in 1000 Genomes. The p.E5062V missense variant is predicted to be damaging by both SIFT and PolyPhen2. The nucleotide c.15185 in ADGRV1 is predicted conserved by GERP++ and PhyloP across 100 vertebrates. For these reasons, this variant has been classified as Uncertain Significance.